The following is an entry in ClinVar:

ClinVar aggregate classification (germline): Pathogenic. Review status: criteria provided, multiple submitters, no conflicts (2 of 4 stars). 2 submissions from 2 submitters: Pathogenic (2). Last evaluated 2023-10-01.

Conditions:
Retinal dystrophy. Also called: Inherited retinal dystrophy. Identifiers: Orphanet 71862, MedGen C0854723, MeSH D058499, MONDO:0019118, HP:0000556.

Submissions (2):

Dept Of Ophthalmology, Nagoya University
Classification: Pathogenic for Retinal dystrophy. Last evaluated: 2023-10-01. Review status: criteria provided, single submitter. Criteria: Submitter's publication. Collection method: research. Allele origin: germline. Affected: yes.

Labcorp Genetics (formerly Invitae), Labcorp
Classification: Pathogenic. Last evaluated: 2021-01-25. Review status: criteria provided, single submitter. Criteria: Invitae Variant Classification Sherloc (09022015). Collection method: clinical testing. Allele origin: germline.
Comment: For these reasons, this variant has been classified as Pathogenic. This variant has been observed in individual(s) with Enhanced S-cone syndrome (PMID: 15453866). This variant is not present in population databases (ExAC no frequency). This sequence change creates a premature translational stop signal (p.Gln350*) in the NR2E3 gene. It is expected to result in an absent or disrupted protein product. Loss-of-function variants in NR2E3 are known to be pathogenic (PMID: 15459973, 27522502).

Literature cited by the submitters: PubMed 15453866 (cited by Labcorp Genetics (formerly Invitae), Labcorp); PubMed 15459973 (cited by Labcorp Genetics (formerly Invitae), Labcorp); PubMed 27522502 (cited by Labcorp Genetics (formerly Invitae), Labcorp).

NM_014249.4(NR2E3):c.1048C>T (p.Gln350Ter)

Gene: NR2E3 (nuclear receptor subfamily 2 group E member 3; plus strand). Cytogenetic location: 15q23.
Variant type: single nucleotide variant.
Coding change: c.1048C>T on transcript NM_014249.4 (MANE Select); coding-DNA position 1048, C replaced by T.
Protein change: p.Gln350Ter; replaces glutamine 350 with a stop codon.
Molecular consequence: nonsense.
Genome position (GRCh38, 1-based): chr15:71,814,065, C>T. VCF-style: chr15-71814065-C-T. GRCh37 (hg19) VCF-style: chr15-72106406-C-T.
Other names: c.1048C>T, p.Gln350Ter (NM_016346.4); short protein forms Q350*.
Identifiers: ClinVar variation 1458873 (VCV001458873.9), dbSNP rs750931603, ClinGen allele CA393039314.